The following is an entry in ClinVar:

ClinVar aggregate classification (germline): Benign (1 of 4 stars; one submission).

Conditions:
Glycogen storage disease, type II (IOPD). Also called: Pompe Disease; CARDIOMEGALIA GLYCOGENICA DIFFUSA; GLYCOGENOSIS, GENERALIZED, CARDIAC FORM; GSD II; POMPE DISEASE, INFANTILE-ONSET; GLYCOGEN STORAGE DISEASE II, INFANTILE-ONSET. Identifiers: Orphanet 365, MedGen C0017921, MONDO:0009290, OMIM 232300.

gnomAD v4.1: 8,846 of 152,206 alleles (5.8%); highest among the groups gnomAD compares: South Asian, 15%; 509 homozygotes.

Submission:

Genomenon, Inc
Classification: Benign for Glycogen storage disease, type II. Last evaluated: 2026-07-01. Review status: criteria provided, single submitter. Criteria: Genomenon Sequence Variant Interpretation Standards - Updated. Collection method: curation. Allele origin: germline. Affected: no.
Comment: GAA c.2189+1290A>G is an intronic variant located in intron 15. This variant is present at high allele frequency in population databases. We classify GAA c.2189+1290A>G as a benign variant.

NM_000152.5(GAA):c.2189+1290A>G

Gene: GAA (alpha glucosidase; plus strand). Cytogenetic location: 17q25.3.
Variant type: single nucleotide variant.
Coding change: c.2189+1290A>G on transcript NM_000152.5 (MANE Select); 1290 bases into the intron after coding-DNA position 2189, A replaced by G.
Molecular consequence: intron variant.
Genome position (GRCh38, 1-based): chr17:80,114,656, A>G. VCF-style: chr17-80114656-A-G. GRCh37 (hg19) VCF-style: chr17-78088455-A-G.
Other names: c.2189+1290A>G (NM_001406741.1, NM_001406742.1, NM_001079803.3 and 1 more transcripts).
Identifiers: ClinVar variation 4876360 (VCV004876360.1).